The following is an entry in ClinVar:

ClinVar aggregate classification (germline): Uncertain significance. Review status: criteria provided, multiple submitters, no conflicts (2 of 4 stars). 6 submissions from 6 submitters: Uncertain significance (6). Last evaluated 2026-01-27.

Conditions:
Catecholaminergic polymorphic ventricular tachycardia (CVPT). Also called: Catecholamine-induced polymorphic ventricular tachycardia. Identifiers: Orphanet 3286, MedGen C5574922, MONDO:0017990.
Catecholaminergic polymorphic ventricular tachycardia 1. Also called: RYR2-Related Catecholaminergic Polymorphic Ventricular Tachycardia; VENTRICULAR TACHYCARDIA, CATECHOLAMINERGIC POLYMORPHIC, 1, WITH OR WITHOUT ATRIAL DYSFUNCTION AND/OR DILATED CARDIOMYOPATHY; VENTRICULAR TACHYCARDIA, STRESS-INDUCED POLYMORPHIC 1. Identifiers: Orphanet 3286, MedGen C1631597, MONDO:0011484, OMIM 604772.
Cardiomyopathy (CMYO). Also called: Cardiomyopathies. Identifiers: Orphanet 167848, MedGen C0878544, MONDO:0004994, HP:0001638. Inheritance: Various modes of inheritance.
Cardiovascular phenotype. Identifiers: MedGen CN230736.

Allele frequency attached by ClinVar (database versions not stated): gnomAD 0.00001; TOPMed 0.00002.

Submissions (6):

Labcorp Genetics (formerly Invitae), Labcorp
Classification: Uncertain significance for Catecholaminergic polymorphic ventricular tachycardia 1. Last evaluated: 2026-01-27. Review status: criteria provided, single submitter. Criteria: Invitae Variant Classification Sherloc (09022015). Collection method: clinical testing. Allele origin: germline.
Comment: This sequence change replaces alanine, which is neutral and non-polar, with threonine, which is neutral and polar, at codon 206 of the RYR2 protein (p.Ala206Thr). This variant is not present in population databases (gnomAD no frequency). This variant has not been reported in the literature in individuals affected with RYR2-related conditions. ClinVar contains an entry for this variant (Variation ID: 632974). Invitae Evidence Modeling of protein sequence and biophysical properties (such as structural, functional, and spatial information, amino acid conservation, physicochemical variation, residue mobility, and thermodynamic stability) has been performed for this missense variant. However, the output from this modeling did not meet the statistical confidence thresholds required to predict the impact of this variant on RYR2 protein function. In summary, the available evidence is currently insufficient to determine the role of this variant in disease. Therefore, it has been classified as a Variant of Uncertain Significance.

Women's Health and Genetics/Laboratory Corporation of America, LabCorp
Classification: Uncertain significance. Last evaluated: 2025-08-15. Review status: criteria provided, single submitter. Criteria: LabCorp Variant Classification Summary - May 2015. Collection method: clinical testing. Allele origin: germline.
Comment: Variant summary: RYR2 c.616G>A (p.Ala206Thr) results in a non-conservative amino acid change located in the Inositol 1,4,5-trisphosphate/ryanodine receptor and MIR motif of the encoded protein sequence. Algorithms developed to predict the effect of missense changes on protein structure and function all suggest that this variant is likely to be disruptive. The frequency data for this variant in gnomAD is considered unreliable, as metrics indicate poor data quality at this position. To our knowledge, no occurrence of c.616G>A in individuals affected with Catecholaminergic Polymorphic Ventricular Tachycardia and no experimental evidence demonstrating its impact on protein function have been reported. ClinVar contains an entry for this variant (Variation ID: 632974). Based on the evidence outlined above, the variant was classified as uncertain significance.

Ambry Genetics
Classification: Uncertain significance for Cardiovascular phenotype. Last evaluated: 2024-09-27. Review status: criteria provided, single submitter. Criteria: Ambry Variant Classification Scheme 2023. Collection method: clinical testing. Allele origin: germline.
Comment: The p.A206T variant (also known as c.616G>A), located in coding exon 9 of the RYR2 gene, results from a G to A substitution at nucleotide position 616. The alanine at codon 206 is replaced by threonine, an amino acid with similar properties. This amino acid position is well conserved in available vertebrate species. In addition, the in silico prediction for this alteration is inconclusive. Based on the available evidence, the clinical significance of this variant remains unclear.

GeneDx
Classification: Uncertain significance. Last evaluated: 2023-08-22. Review status: criteria provided, single submitter. Criteria: GeneDx Variant Classification Process June 2021. Collection method: clinical testing. Allele origin: germline. Affected: yes.
Comment: Not observed in large population cohorts (gnomAD); In silico analysis, which includes protein predictors and evolutionary conservation, supports that this variant does not alter protein structure/function; Located in one of the three hot-spot regions of the RYR2 gene, where the majority of pathogenic missense variants occur (Medeiros-Domingo et al., 2009); Reported in ClinVar as a variant of uncertain significance (ClinVar Variant ID# 632974; ClinVar); Has not been previously published as pathogenic or benign to our knowledge

All of Us Research Program, National Institutes of Health
Classification: Uncertain significance for Catecholaminergic polymorphic ventricular tachycardia. Last evaluated: 2023-06-28. Review status: criteria provided, single submitter. Criteria: ACMG Guidelines, 2015. Collection method: clinical testing. Allele origin: germline. Inheritance: Autosomal dominant inheritance. Observed: 2 variant alleles, 2 heterozygotes.
Comment: This missense variant replaces alanine with threonine at codon 206 of the RYR2 protein. Computational prediction tools and conservation analyses are inconclusive regarding the impact of this variant on the protein function. Computational splicing tools suggest that this variant may not impact RNA splicing. To our knowledge, functional assays have not been performed for this variant nor has this variant been reported in individuals affected with cardiovascular disorders in the literature. This variant has not been identified in the general population by the Genome Aggregation Database (gnomAD). Available evidence is insufficient to determine the role of this variant in disease conclusively. Therefore, this variant is classified as a Variant of Uncertain Significance.

This study involves interpretation of variants in research participants for the purpose of population health screening. Participant phenotype was not available at the time of variant classification. Additional details can be found in publication PMID: 35346344, PMCID: PMC8962531

Color Diagnostics, LLC DBA Color Health
Classification: Uncertain significance for Cardiomyopathy. Last evaluated: 2019-05-22. Review status: criteria provided, single submitter. Criteria: ACMG Guidelines, 2015. Collection method: clinical testing. Allele origin: germline.
Comment: This missense variant replaces alanine with threonine at codon 206 of the RYR2 protein. Computational prediction tools and conservation analyses are inconclusive regarding the impact of this variant on the protein function. Computational splicing tools suggest that this variant may not impact RNA splicing. To our knowledge, functional assays have not been performed for this variant nor has this variant been reported in individuals affected with cardiovascular disorders in the literature. This variant has not been identified in the general population by the Genome Aggregation Database (gnomAD). Available evidence is insufficient to determine the role of this variant in disease conclusively. Therefore, this variant is classified as a Variant of Uncertain Significance.

NM_001035.3(RYR2):c.616G>A (p.Ala206Thr)

Gene: RYR2 (ryanodine receptor 2; plus strand). Cytogenetic location: 1q43.
Variant type: single nucleotide variant.
Coding change: c.616G>A on transcript NM_001035.3 (MANE Select); coding-DNA position 616, G replaced by A.
Protein change: p.Ala206Thr; replaces alanine 206 with threonine.
Molecular consequence: missense variant.
Genome position (GRCh38, 1-based): chr1:237,387,320, G>A. VCF-style: chr1-237387320-G-A. GRCh37 (hg19) VCF-style: chr1-237550620-G-A.
Other names: c.616G>A, p.Ala206Thr (LRG_402t1); short protein forms A206T.
Identifiers: ClinVar variation 632974 (VCV000632974.17), dbSNP rs930769080, ClinGen allele CA39775958.